The following is an entry in ClinVar:

NM_015425.6(POLR1A):c.4274T>C (p.Val1425Ala)

Gene: POLR1A (RNA polymerase I subunit A; minus strand). Cytogenetic location: 2p11.2.
Variant type: single nucleotide variant.
Coding change: c.4274T>C on transcript NM_015425.6 (MANE Select); coding-DNA position 4274, T replaced by C.
Protein change: p.Val1425Ala; replaces valine 1425 with alanine.
Molecular consequence: missense variant.
Genome position (GRCh38, 1-based): chr2:86,031,634, A>G on the plus strand (T>C on the coding strand, the complement: POLR1A is on the minus strand). VCF-style: chr2-86031634-A-G. GRCh37 (hg19) VCF-style: chr2-86258757-A-G.
Other names: short protein forms V1425A.
Identifiers: ClinVar variation 2779028 (VCV002779028.3), dbSNP rs1672396724, ClinGen allele CA347547050.

ClinVar aggregate classification (germline): Uncertain significance (1 of 4 stars; one submission).

Allele frequency attached by ClinVar (database versions not stated): gnomAD exomes 0.00001.
gnomAD v4.1: 9 of 1,605,770 alleles (0.00056%); highest among the groups gnomAD compares: Non-Finnish European, 0.00077%; no homozygotes.

Submission:

Labcorp Genetics (formerly Invitae), Labcorp
Classification: Uncertain significance. Last evaluated: 2023-10-23. Review status: criteria provided, single submitter. Criteria: Invitae Variant Classification Sherloc (09022015). Collection method: clinical testing. Allele origin: germline.
Comment: This sequence change replaces valine, which is neutral and non-polar, with alanine, which is neutral and non-polar, at codon 1425 of the POLR1A protein (p.Val1425Ala). This variant is not present in population databases (gnomAD no frequency). This variant has not been reported in the literature in individuals affected with POLR1A-related conditions. An algorithm developed to predict the effect of missense changes on protein structure and function (PolyPhen-2) suggests that this variant is likely to be tolerated. In summary, the available evidence is currently insufficient to determine the role of this variant in disease. Therefore, it has been classified as a Variant of Uncertain Significance.